The following is an entry in ClinVar:

ClinVar aggregate classification (germline): Uncertain significance. Review status: criteria provided, single submitter (1 of 4 stars). 2 submissions from 2 submitters: Uncertain significance (1). 1 of the submissions does not count toward it. Last evaluated 2025-10-14.

Conditions:
RECQL4-related disorder. Also called: RECQL4-related disorders; RECQL4-related condition.
Baller-Gerold syndrome (BGS). Also called: CRANIOSYNOSTOSIS WITH RADIAL DEFECTS. Identifiers: Orphanet 1225, MedGen C0265308, MONDO:0009039, OMIM 218600.

Allele frequency attached by ClinVar (database versions not stated): gnomAD 0.00001 and 0.00002; TOPMed 0.00002; gnomAD exomes 0.00004; ExAC 0.00006.
gnomAD v4.1: 43 of 1,567,754 alleles (0.0027%); highest among the groups gnomAD compares: South Asian, 0.031%; no homozygotes.

Submissions (2):

Labcorp Genetics (formerly Invitae), Labcorp
Classification: Uncertain significance for Baller-Gerold syndrome. Last evaluated: 2025-10-14. Review status: criteria provided, single submitter. Criteria: Invitae Variant Classification Sherloc (09022015). Collection method: clinical testing. Allele origin: germline.
Comment: This sequence change replaces alanine, which is neutral and non-polar, with threonine, which is neutral and polar, at codon 834 of the RECQL4 protein (p.Ala834Thr). This variant is present in population databases (rs767722327, gnomAD 0.03%). This variant has not been reported in the literature in individuals affected with RECQL4-related conditions. ClinVar contains an entry for this variant (Variation ID: 529020). Invitae Evidence Modeling of protein sequence and biophysical properties (such as structural, functional, and spatial information, amino acid conservation, physicochemical variation, residue mobility, and thermodynamic stability) indicates that this missense variant is not expected to disrupt RECQL4 protein function with a negative predictive value of 80%. In summary, the available evidence is currently insufficient to determine the role of this variant in disease. Therefore, it has been classified as a Variant of Uncertain Significance.

PreventionGenetics, part of Exact Sciences
Classification: Uncertain significance for RECQL4-related condition. Last evaluated: 2024-04-17. Review status: no assertion criteria provided. Collection method: clinical testing. Allele origin: germline. Not counted in ClinVar's aggregate classification.
Comment: The RECQL4 c.2500G>A variant is predicted to result in the amino acid substitution p.Ala834Thr. To our knowledge, this variant has not been reported in the literature. This variant is reported in 0.029% of alleles in individuals of South Asian descent in gnomAD. At this time, the clinical significance of this variant is uncertain due to the absence of conclusive functional and genetic evidence.

NM_004260.4(RECQL4):c.2500G>A (p.Ala834Thr)

Gene: RECQL4 (RecQ like helicase 4; minus strand). Cytogenetic location: 8q24.3.
Variant type: single nucleotide variant.
Coding change: c.2500G>A on transcript NM_004260.4 (MANE Select); coding-DNA position 2500, G replaced by A.
Protein change: p.Ala834Thr; replaces alanine 834 with threonine.
Molecular consequence: missense variant.
Genome position (GRCh38, 1-based): chr8:144,513,102, C>T on the plus strand (G>A on the coding strand, the complement: RECQL4 is on the minus strand). VCF-style: chr8-144513102-C-T. GRCh37 (hg19) VCF-style: chr8-145738485-C-T.
Other names: short protein forms A834T.
Identifiers: ClinVar variation 529020 (VCV000529020.9), dbSNP rs767722327, ClinGen allele CA4948212.
Genomic context (GRCh38, chr8:144,513,102, plus strand): 5'-TGCAGGCTGGGAACACGCGCTGTACCAGCCTCTTCACAGCCAGGAAGTCCGTGCTGTCGG[C>T]GTGCACATGTCTGCGCAGCTCTCGCAGGTCTTCGCCCTGCAGGGCAACTTTCATGAGGGT-3'
Protein context (NP_004251.4, residues 824-844): DLRELRRHVH[Ala834Thr]DSTDFLAVKR